The following is an entry in ClinVar:

ClinVar aggregate classification (germline): Uncertain significance. Review status: reviewed by expert panel (3 of 4 stars). 2 submissions from 2 submitters: Uncertain significance (1). 1 of the submissions does not count toward it. Last evaluated 2021-02-11.

Conditions:
Phenylketonuria (PKU). Also called: FOLLING DISEASE; OLIGOPHRENIA PHENYLPYRUVICA; Phenylketonuria (PKU); Phenylketonurias. Identifiers: Orphanet 716, MedGen C0031485, MONDO:0009861, OMIM 261600. Disease mechanism: loss of function.

Submissions (2):

ClinGen PAH Variant Curation Expert Panel
Classification: Uncertain significance for Phenylketonuria. Last evaluated: 2021-02-11. Review status: reviewed by expert panel. Criteria: ClinGen PAH ACMG Specifications v1. Collection method: curation. Allele origin: germline. Inheritance: Autosomal recessive inheritance.
Comment: This c.1003A>G (p.Lys335Glu) variant in PAH was reported 1 time in a patient with PAH deficiency (>120 μmol/L Phe, BH4 deficiency ruled out (PMID: 26503515). Computational evidence for this missense variant is conflicting: damaging (SIFT), disease-causing (MutationTaster) and benign (PolyPhen2). This variant is absent from population databases gnomAD, 1000 Genomes, and ESP. In summary, this variant meets criteria to be classified as a variant of uncertain significance for PAH. PAH-specific ACMG/AMP criteria applied: PP4_moderate, PM2.

Eurofins Ntd Llc (ga)
Classification: Uncertain significance. Last evaluated: 2015-09-29. Review status: criteria provided, single submitter. Criteria: EGL Classification Definitions 2015. Collection method: clinical testing. Allele origin: germline. Observed: 1 variant allele, 1 heterozygote. Not counted in ClinVar's aggregate classification.

NM_000277.3(PAH):c.1003A>G (p.Lys335Glu)

Gene: PAH (phenylalanine hydroxylase; minus strand). Cytogenetic location: 12q23.2.
Variant type: single nucleotide variant.
Coding change: c.1003A>G on transcript NM_000277.3 (MANE Select); coding-DNA position 1003, A replaced by G.
Protein change: p.Lys335Glu; replaces lysine 335 with glutamic acid.
Molecular consequence: missense variant.
Genome position (GRCh38, 1-based): chr12:102,844,398, T>C on the plus strand (A>G on the coding strand, the complement: PAH is on the minus strand). VCF-style: chr12-102844398-T-C. GRCh37 (hg19) VCF-style: chr12-103238176-T-C.
Other names: NM_000277.3(PAH):c.1003A>G; p.Lys335Glu; c.1003A>G, p.Lys335Glu (NM_001354304.2); short protein forms K335E.
Identifiers: ClinVar variation 280984 (VCV000280984.6), dbSNP rs886042068, ClinGen allele CA10603769.